The following is an entry in ClinVar:

NM_006767.4(LZTR1):c.1545G>T (p.Glu515Asp)

Gene: LZTR1 (leucine zipper like post translational regulator 1; plus strand). Cytogenetic location: 22q11.21.
Variant type: single nucleotide variant.
Coding change: c.1545G>T on transcript NM_006767.4 (MANE Select); coding-DNA position 1545, G replaced by T.
Protein change: p.Glu515Asp; replaces glutamic acid 515 with aspartic acid.
Molecular consequence: missense variant.
Genome position (GRCh38, 1-based): chr22:20,994,199, G>T. VCF-style: chr22-20994199-G-T. GRCh37 (hg19) VCF-style: chr22-21348488-G-T.
Other names: short protein forms E515D.
Identifiers: ClinVar variation 4744316 (VCV004744316.1).

ClinVar aggregate classification (germline): Uncertain significance (1 of 4 stars; one submission).

Submission:

Labcorp Genetics (formerly Invitae), Labcorp
Classification: Uncertain significance. Last evaluated: 2025-02-12. Review status: criteria provided, single submitter. Criteria: Invitae Variant Classification Sherloc (09022015). Collection method: clinical testing. Allele origin: germline.
Comment: This sequence change replaces glutamic acid, which is acidic and polar, with aspartic acid, which is acidic and polar, at codon 515 of the LZTR1 protein (p.Glu515Asp). This variant is not present in population databases (gnomAD no frequency). This variant has not been reported in the literature in individuals affected with LZTR1-related conditions. Invitae Evidence Modeling of protein sequence and biophysical properties (such as structural, functional, and spatial information, amino acid conservation, physicochemical variation, residue mobility, and thermodynamic stability) indicates that this missense variant is not expected to disrupt LZTR1 protein function with a negative predictive value of 80%. In summary, the available evidence is currently insufficient to determine the role of this variant in disease. Therefore, it has been classified as a Variant of Uncertain Significance.